The following is an entry in ClinVar:

NM_001034853.2(RPGR):c.778+1del

Gene: RPGR (retinitis pigmentosa GTPase regulator; minus strand). Cytogenetic location: Xp11.4.
Variant type: Deletion.
Coding change: c.778+1del on transcript NM_001034853.2 (MANE Select); the canonical splice donor site of the intron after coding-DNA position 778, one base deleted (G; older notation c.778+1delG).
Molecular consequence: splice donor variant.
Genome position (GRCh38, 1-based): chrX:38,310,614, C deleted on the plus strand (G on the coding strand, the reverse complement: RPGR is on the minus strand); the first of 3 consecutive C bases (chrX:38,310,614-38,310,616); deleting any one gives the same sequence. VCF-style (leftmost placement, unchanged base first): chrX-38310613-AC-A. GRCh37 (hg19) VCF-style: chrX-38169866-AC-A.
Other names: c.775+1del (NM_001367249.1, NM_001367250.1, NM_001367245.1); c.778+1del (NM_001367251.1, NM_001367246.1, NM_001367247.1 and 1 more transcripts); c.808+1del (NM_001367248.1).
Identifiers: ClinVar variation 1065705 (VCV001065705.1), dbSNP rs2147261624, ClinGen allele CA2499226696.

ClinVar aggregate classification (germline): Likely pathogenic (1 of 4 stars; one submission).

Conditions:
Retinitis pigmentosa 3. Also called: CHOROIDORETINAL DEGENERATION WITH RETINAL REFLEX IN HETEROZYGOUS WOMEN. Identifiers: Orphanet 791, MedGen C1845667, MONDO:0010227, OMIM 300029.

Submission:

Ocular Genomics Institute, Massachusetts Eye and Ear
Classification: Likely pathogenic for Retinitis pigmentosa 3. Last evaluated: 2021-04-08. Review status: criteria provided, single submitter. Criteria: ACMG Guidelines, 2015. Collection method: research. Allele origin: germline. Affected: yes.
Comment: Through a review of available evidence we were able to apply the following criteria: PVS1, PM2. Based on this evidence we have classified this variant as Likely pathogenic.